The following is an entry in ClinVar:

ClinVar aggregate classification (germline): Uncertain significance (1 of 4 stars; one submission).

Conditions:
Cardiovascular phenotype. Identifiers: MedGen CN230736.

Submission:

Ambry Genetics
Classification: Uncertain significance for Cardiovascular phenotype. Last evaluated: 2021-07-08. Review status: criteria provided, single submitter. Criteria: Ambry Variant Classification Scheme 2023. Collection method: clinical testing. Allele origin: germline.
Comment: The p.A1869G variant (also known as c.5606C>G), located in coding exon 2 of the ZNF469 gene, results from a C to G substitution at nucleotide position 5606. The alanine at codon 1869 is replaced by glycine, an amino acid with similar properties. This amino acid position is conserved. In addition, this alteration is predicted to be tolerated by in silico analysis. Since supporting evidence is limited at this time, the clinical significance of this alteration remains unclear.

NM_001367624.2(ZNF469):c.5690C>G (p.Ala1897Gly)

Gene: ZNF469 (zinc finger protein 469; plus strand). Cytogenetic location: 16q24.2.
Variant type: single nucleotide variant.
Coding change: c.5690C>G on transcript NM_001367624.2 (MANE Select); coding-DNA position 5690, C replaced by G.
Protein change: p.Ala1897Gly; replaces alanine 1897 with glycine.
Molecular consequence: missense variant.
Genome position (GRCh38, 1-based): chr16:88,433,160, C>G. VCF-style: chr16-88433160-C-G. GRCh37 (hg19) VCF-style: chr16-88499568-C-G.
Other names: NM_001127464.1:c.5606C>G; short protein forms A1897G.
Identifiers: ClinVar variation 1748599 (VCV001748599.2), dbSNP rs2507591271, ClinGen allele CA397101825.
Genomic context (GRCh38, chr16:88,433,160, plus strand): 5'-CTGTGCCAAGTCCCGCCTGTGTATCCAACACCCACCCTAGCAGGAGGTCCCAGGACCCAG[C>G]TTTGAGCCCCCCCATACGTCAGCTCCAGCTCCCAGGGCCTGGAGTGGCTAAGAGTAAAGA-3'
Protein context (NP_001354553.1, residues 1887-1907): THPSRRSQDP[Ala1897Gly]LSPPIRQLQL